The following is an entry in ClinVar:

NM_000155.3(GALT):c.-840_-837dupTTTT

Gene: GALT (galactose-1-phosphate uridylyltransferase; plus strand). Cytogenetic location: 9p13.3.
Variant type: Duplication.
Coding change: c.-840_-837dupTTTT on transcript NM_000155.3; 840 bases upstream of the start codon through 837 bases upstream of the start codon, 4 bases duplicated (TTTT).
Genome position (GRCh38, 1-based): chr9:34,645,865-34,645,868, TTTT duplicated; duplicating any 4 consecutive bases within chr9:34,645,849-34,645,868 gives the same sequence; the c. name uses the placement nearest the transcript's 3' end. VCF-style (leftmost placement, unchanged base first): chr9-34645848-A-ATTTT. GRCh37 (hg19) VCF-style: chr9-34645845-A-ATTTT.
Identifiers: ClinVar variation 1331426 (VCV001331426.3), dbSNP rs549043849, ClinGen allele CA587243224.
Genomic context (GRCh38, chr9:34,645,848, plus strand): 5'-TCTCCTGCCTCAGCCTCCCGAGTAGGTGGGACTACAGGTGCACGCCACCAAGACCAGCTA[A>ATTTT]TTTTTTTTTTTTTTTTTTTTACTAGAGACGGGGTTTCACCATGTTGGCCAGGATGGTCTC-3'

ClinVar aggregate classification (germline): Benign (1 of 4 stars; one submission).

Submission:

Women's Health and Genetics/Laboratory Corporation of America, LabCorp
Classification: Benign. Last evaluated: 2021-12-16. Review status: criteria provided, single submitter. Criteria: LabCorp Variant Classification Summary - May 2015. Collection method: clinical testing. Allele origin: germline.
Comment: Variant summary: GALT c.-840_-837dupTTTT is located in the untranscribed region upstream of the GALT gene region. The variant allele was found at a frequency of 0.047 in 19482 control chromosomes in the gnomAD database, including 45 homozygotes. The observed variant frequency is approximately 16.45 fold of the estimated maximal expected allele frequency for a pathogenic variant in GALT causing Galactosemia phenotype (0.0029), strongly suggesting that the variant is benign. To our knowledge, no occurrence of c.-840_-837dupTTTT in individuals affected with Galactosemia and no experimental evidence demonstrating its impact on protein function have been reported. No clinical diagnostic laboratories have submitted clinical-significance assessments for this variant to ClinVar after 2014. Based on the evidence outlined above, the variant was classified as benign.